The following is an entry in ClinVar:

NM_017780.4(CHD7):c.6854dup (p.Asp2285fs)

Gene: CHD7 (chromodomain helicase DNA binding protein 7; plus strand). Cytogenetic location: 8q12.2.
Variant type: Duplication.
Coding change: c.6854dup on transcript NM_017780.4 (MANE Select); coding-DNA position 6854, one base duplicated (A; older notation c.6854dupA).
Protein change: p.Asp2285fs; shifts the reading frame from aspartic acid 2285.
Molecular consequence: frameshift variant. On other transcripts: intron variant (1).
Genome position (GRCh38, 1-based): chr8:60,854,441, A duplicated. VCF-style (leftmost placement, unchanged base first): chr8-60854440-G-GA. GRCh37 (hg19) VCF-style: chr8-61766999-G-GA.
Other names: c.1717-7788dup (NM_001316690.1); short protein forms D2285fs.
Identifiers: ClinVar variation 817169 (VCV000817169.1), dbSNP rs1586449004, ClinGen allele CA915945721.

ClinVar aggregate classification (germline): Likely pathogenic (1 of 4 stars; one submission).

Submission:

GeneDx
Classification: Likely pathogenic. Last evaluated: 2018-08-06. Review status: criteria provided, single submitter. Criteria: GeneDx Variant Classification (06012015). Collection method: clinical testing. Allele origin: germline. Affected: yes.
Comment: The c.6854dupA variant in the CHD7 gene has not been reported previously as a pathogenic variant nor as a benign variant, to our knowledge. The c.6854dupA variant causes a frameshift starting with codon Aspartic Acid 2285, changes this amino acid to a Glutamic Acid residue, and creates a premature Stop codon at position 18 of the new reading frame, denoted p.Asp2285GlufsX18. This variant is predicted to cause loss of normal protein function either through protein truncation or nonsense-mediated mRNA decay. The c.6854dupA variant is not observed in large population cohorts (Lek et al., 2016). We interpret c.6854dupA as a likely pathogenic variant.